The following is an entry in ClinVar:

ClinVar aggregate classification (germline): Uncertain significance (1 of 4 stars; one submission).

Submission:

Labcorp Genetics (formerly Invitae), Labcorp
Classification: Uncertain significance. Last evaluated: 2025-09-11. Review status: criteria provided, single submitter. Criteria: Invitae Variant Classification Sherloc (09022015). Collection method: clinical testing. Allele origin: germline.
Comment: This sequence change affects a splice site in intron 36 of the FN1 gene. It is expected to disrupt RNA splicing. Variants that disrupt the donor or acceptor splice site typically lead to a loss of protein function (PMID: 16199547), however the current clinical and genetic evidence is not sufficient to establish whether loss-of-function variants in FN1 cause disease. This variant is not present in population databases (gnomAD no frequency). This variant has not been reported in the literature in individuals affected with FN1-related conditions. ClinVar contains an entry for this variant (Variation ID: 2709993). Algorithms developed to predict the effect of sequence changes on RNA splicing suggest that this variant may disrupt the consensus splice site. In summary, the available evidence is currently insufficient to determine the role of this variant in disease. Therefore, it has been classified as a Variant of Uncertain Significance.

Literature cited by the submitters: PubMed 16199547.

NM_212482.4(FN1):c.5888-4_5888-2del

Genes: FN1 (fibronectin 1; minus strand), LOC126806496 (CDK7 strongly-dependent group 2 enhancer GRCh37_chr2:216240057-216241256; plus strand). Cytogenetic location: 2q35.
Variant type: Deletion.
Coding change: c.5888-4_5888-2del on transcript NM_212482.4 (MANE Select); 4 bases into the intron before coding-DNA position 5888 through the canonical splice acceptor site of the intron before coding-DNA position 5888, 3 bases deleted (CCA; older notation c.5888-4_5888-2delCCA).
Molecular consequence: splice acceptor variant.
Genome position (GRCh38, 1-based): chr2:215,375,720-215,375,722, TGG deleted on the plus strand (CCA on the coding strand, the reverse complement: FN1 is on the minus strand). VCF-style (leftmost placement, unchanged base first): chr2-215375719-CTGG-C. GRCh37 (hg19) VCF-style: chr2-216240442-CTGG-C.
Other names: c.5345-4_5345-2del (NM_212474.3, NM_001306132.2, NM_001365523.2 and 2 more transcripts); c.5615-4_5615-2del (NM_001365524.2, NM_212478.3, NM_001365520.2 and 2 more transcripts); c.5618-4_5618-2del (NM_001306130.2, NM_001365522.2, NM_001365519.2 and 2 more transcripts); c.5888-4_5888-2del (NM_001306129.2).
Identifiers: ClinVar variation 2709993 (VCV002709993.3), dbSNP rs2469406405, ClinGen allele CA2697550416.